The following is an entry in ClinVar:

ClinVar aggregate classification (germline): Conflicting classifications of pathogenicity. Review status: criteria provided, conflicting classifications (1 of 4 stars). 2 submissions from 2 submitters: Uncertain significance (1); Likely benign (1). Last evaluated 2026-07-01.

Conditions:
Neurodevelopmental disorder with hypotonia, stereotypic hand movements, and impaired language. Also called: Intellectual disability, autosomal dominant 20. Identifiers: Orphanet 228384, Orphanet 664410, MedGen C3150700, MONDO:0013266, OMIM 613443.

Allele frequency attached by ClinVar (database versions not stated): ExAC 0.00001; gnomAD 0.00001.
gnomAD v4.1: 13 of 1,612,568 alleles (0.00081%); highest among the groups gnomAD compares: South Asian, 0.0044%; no homozygotes.

Submissions (2):

CeGaT Center for Human Genetics Tuebingen
Classification: Likely benign. Last evaluated: 2026-07-01. Review status: criteria provided, single submitter. Criteria: CeGaT Center For Human Genetics Tuebingen Variant Classification Criteria Version 2. Collection method: clinical testing. Allele origin: germline. Affected: yes. Observed: 1 variant allele.
Comment: MEF2C: BS2

Labcorp Genetics (formerly Invitae), Labcorp
Classification: Uncertain significance for Neurodevelopmental disorder with hypotonia, stereotypic hand movements, and impaired language. Last evaluated: 2025-01-06. Review status: criteria provided, single submitter. Criteria: Invitae Variant Classification Sherloc (09022015). Collection method: clinical testing. Allele origin: germline.
Comment: This sequence change replaces valine, which is neutral and non-polar, with isoleucine, which is neutral and non-polar, at codon 298 of the MEF2C protein (p.Val298Ile). This variant is present in population databases (rs749895889, gnomAD 0.003%). This variant has not been reported in the literature in individuals affected with MEF2C-related conditions. ClinVar contains an entry for this variant (Variation ID: 2196555). Invitae Evidence Modeling of protein sequence and biophysical properties (such as structural, functional, and spatial information, amino acid conservation, physicochemical variation, residue mobility, and thermodynamic stability) indicates that this missense variant is not expected to disrupt MEF2C protein function with a negative predictive value of 95%. In summary, the available evidence is currently insufficient to determine the role of this variant in disease. Therefore, it has been classified as a Variant of Uncertain Significance.

NM_002397.5(MEF2C):c.892G>A (p.Val298Ile)

Gene: MEF2C (myocyte enhancer factor 2C; minus strand). Cytogenetic location: 5q14.3.
Variant type: single nucleotide variant.
Coding change: c.892G>A on transcript NM_002397.5 (MANE Select); coding-DNA position 892, G replaced by A.
Protein change: p.Val298Ile; replaces valine 298 with isoleucine.
Molecular consequence: missense variant.
Genome position (GRCh38, 1-based): chr5:88,729,290, C>T on the plus strand (G>A on the coding strand, the complement: MEF2C is on the minus strand). VCF-style: chr5-88729290-C-T. GRCh37 (hg19) VCF-style: chr5-88025107-C-T.
Other names: c.862G>A, p.Val288Ile (NM_001131005.2, NM_001364343.2, NM_001364352.2); c.922G>A, p.Val308Ile (NM_001193347.1, NM_001364338.2); c.724G>A, p.Val242Ile (NM_001193348.1); c.748G>A, p.Val250Ile (NM_001193349.3, NM_001364344.2, NM_001364332.2 and 2 more transcripts); c.892G>A, p.Val298Ile (NM_001193350.2, NM_001363581.2, NM_001364329.2 and 9 more transcripts); c.868G>A, p.Val290Ile (NM_001308002.3, NM_001364341.2, NM_001364342.2 and 6 more transcripts); c.514G>A, p.Val172Ile (NM_001364353.2, NM_001364356.2); c.442G>A, p.Val148Ile (NM_001364357.2); short protein forms V172I, V308I, V148I, V288I, V242I, V298I, V250I, V290I.
Identifiers: ClinVar variation 2196555 (VCV002196555.5), dbSNP rs749895889, ClinGen allele CA3337215.